The following is an entry in ClinVar:

ClinVar aggregate classification (germline): Uncertain significance (1 of 4 stars; one submission).

Conditions:
Emery-Dreifuss muscular dystrophy 4, autosomal dominant (EDMD4). Also called: EMERY-DREIFUSS MUSCULAR DYSTROPHY 4 WITH VARIABLE FEATURES. Identifiers: Orphanet 261, MedGen C2751807, MONDO:0013071, OMIM 612998.
Autosomal recessive ataxia, Beauce type. Also called: SYNE1 Deficiency; Spinocerebellar ataxia, autosomal recessive 8; ATAXIA, RECESSIVE, OF BEAUCE; SYNE1-Related Autosomal Recessive Cerebellar Ataxia. Identifiers: Orphanet 88644, MedGen C1853116, MONDO:0012549, OMIM 610743.

Allele frequency attached by ClinVar (database versions not stated): ExAC 0.00001; gnomAD exomes 0.00001.
gnomAD v4.1: 10 of 1,614,070 alleles (0.00062%); highest among the groups gnomAD compares: Non-Finnish European, 0.00085%; no homozygotes.

Submission:

Labcorp Genetics (formerly Invitae), Labcorp
Classification: Uncertain significance for Emery-Dreifuss muscular dystrophy 4, autosomal dominant; Autosomal recessive ataxia, Beauce type. Last evaluated: 2022-04-20. Review status: criteria provided, single submitter. Criteria: Invitae Variant Classification Sherloc (09022015). Collection method: clinical testing. Allele origin: germline.
Comment: In summary, the available evidence is currently insufficient to determine the role of this variant in disease. Therefore, it has been classified as a Variant of Uncertain Significance. Algorithms developed to predict the effect of missense changes on protein structure and function (SIFT, PolyPhen-2, Align-GVGD) all suggest that this variant is likely to be disruptive. This variant has not been reported in the literature in individuals affected with SYNE1-related conditions. This variant is present in population databases (rs778532275, gnomAD 0.002%). This sequence change replaces histidine, which is basic and polar, with tyrosine, which is neutral and polar, at codon 6569 of the SYNE1 protein (p.His6569Tyr).

NM_182961.4(SYNE1):c.19918C>T (p.His6640Tyr)

Gene: SYNE1 (spectrin repeat containing nuclear envelope protein 1; minus strand). Cytogenetic location: 6q25.2.
Variant type: single nucleotide variant.
Coding change: c.19918C>T on transcript NM_182961.4 (MANE Select); coding-DNA position 19918, C replaced by T.
Protein change: p.His6640Tyr; replaces histidine 6640 with tyrosine.
Molecular consequence: missense variant.
Genome position (GRCh38, 1-based): chr6:152,239,682, G>A on the plus strand (C>T on the coding strand, the complement: SYNE1 is on the minus strand). VCF-style: chr6-152239682-G-A. GRCh37 (hg19) VCF-style: chr6-152560817-G-A.
Other names: c.19705C>T, p.His6569Tyr (NM_033071.5); short protein forms H6569Y, H6640Y.
Identifiers: ClinVar variation 1933967 (VCV001933967.5), dbSNP rs778532275, ClinGen allele CA4054542.